The following is an entry in ClinVar:

NM_006030.4(CACNA2D2):c.3314G>A (p.Arg1105His)

Genes: CACNA2D2 (calcium voltage-gated channel auxiliary subunit alpha2delta 2; minus strand), LOC127898564 (CYB561D2-LOC101928965; plus strand). Cytogenetic location: 3p21.31.
Variant type: single nucleotide variant.
Coding change: c.3314G>A on transcript NM_006030.4 (MANE Select); coding-DNA position 3314, G replaced by A.
Protein change: p.Arg1105His; replaces arginine 1105 with histidine.
Molecular consequence: missense variant.
Genome position (GRCh38, 1-based): chr3:50,364,784, C>T on the plus strand (G>A on the coding strand, the complement: CACNA2D2 is on the minus strand). VCF-style: chr3-50364784-C-T. GRCh37 (hg19) VCF-style: chr3-50402215-C-T.
Other names: c.3320G>A, p.Arg1107His (NM_001005505.3); c.3335G>A, p.Arg1112His (NM_001174051.3); c.3113G>A, p.Arg1038His (NM_001291101.1); short protein forms R1105H, R1112H, R1107H, R1038H.
Identifiers: ClinVar variation 864823 (VCV000864823.2), dbSNP rs1704132057, ClinGen allele CA352961151.
Genomic context (GRCh38, chr3:50,364,784, plus strand): 5'-AGGAGGAGCAGCAGTTGCAGGGAGACCAGGACGCCCAGCGACGGCGGGAAGGAGGCCCCG[C>T]GGCCACAGTCTGAGGTATCTTCCTGCGGGGAGAGACAAGGAGCTGGTCGGCCTGGGCGGG-3'
Protein context (NP_006021.2, residues 1095-1115): NATEDTSDCG[Arg1105His]GASFPPSLGV

ClinVar aggregate classification (germline): Uncertain significance (1 of 4 stars; one submission).

Conditions:
Developmental and epileptic encephalopathy. Identifiers: MedGen C5779964, MONDO:0100620.

Allele frequency attached by ClinVar (database versions not stated): gnomAD exomes below 0.00001.
gnomAD v4.1: 2 of 1,601,860 alleles (0.00012%); highest among the groups gnomAD compares: Non-Finnish European, 0.00017%; no homozygotes.

Submission:

Labcorp Genetics (formerly Invitae), Labcorp
Classification: Uncertain significance for Early infantile epileptic encephalopathy with suppression bursts. Last evaluated: 2019-05-22. Review status: criteria provided, single submitter. Criteria: Invitae Variant Classification Sherloc (09022015). Collection method: clinical testing. Allele origin: germline.
Comment: This sequence change replaces arginine with histidine at codon 1105 of the CACNA2D2 protein (p.Arg1105His). The arginine residue is moderately conserved and there is a small physicochemical difference between arginine and histidine. This variant is not present in population databases (ExAC no frequency). This variant has not been reported in the literature in individuals with CACNA2D2-related conditions. Algorithms developed to predict the effect of missense changes on protein structure and function are either unavailable or do not agree on the potential impact of this missense change (SIFT: "Deleterious"; PolyPhen-2: "Possibly Damaging"; Align-GVGD: "Class C0"). In summary, the available evidence is currently insufficient to determine the role of this variant in disease. Therefore, it has been classified as a Variant of Uncertain Significance.